The following is an entry in ClinVar:

NM_001378120.1(MBD5):c.179dup (p.Cys60fs)

Gene: MBD5 (methyl-CpG binding domain protein 5; plus strand). Cytogenetic location: 2q23.1.
Variant type: Duplication.
Coding change: c.179dup on transcript NM_001378120.1 (MANE Select); coding-DNA position 179, one base duplicated (G; older notation c.179dupG).
Protein change: p.Cys60fs; shifts the reading frame from cysteine 60.
Molecular consequence: frameshift variant.
Genome position (GRCh38, 1-based): chr2:148,462,647, G duplicated. VCF-style (leftmost placement, unchanged base first): chr2-148462646-T-TG. GRCh37 (hg19) VCF-style: chr2-149220215-T-TG.
Other names: c.179dup, p.Cys60fs (NM_001438854.1, NM_001438855.1, NM_001438856.1 and 7 more transcripts); short protein forms C60fs.
Identifiers: ClinVar variation 4850094 (VCV004850094.1).
Genomic context (GRCh38, chr2:148,462,646, plus strand): 5'-AGTGGGTCTTTGTTATCTTGCTTGGAGCAGGTTAAAACATACCTGCTTACTGATGGAACA[T>TG]GCAAGTGTGGCTTGGAATGTCCTCTTATTCTTCCCAAGGTAACCATTTCACAATAGATCT-3'

ClinVar aggregate classification (germline): Pathogenic (1 of 4 stars; one submission).

Conditions:
Intellectual developmental disorder, autosomal dominant 1. Also called: MBD5 Haploinsufficiency; Intellectual disability, autosomal dominant 1. Identifiers: Orphanet 228402, MedGen C1969562, MONDO:0007974, OMIM 156200.

Submission:

Institute for Clinical Genetics, University Hospital TU Dresden, University Hospital TU Dresden
Classification: Pathogenic for Intellectual developmental disorder, autosomal dominant 1. Last evaluated: 2024-05-23. Review status: criteria provided, single submitter. Criteria: ACMG Guidelines, 2015. Collection method: clinical testing. Allele origin: de novo. Affected: yes.
Comment: The frameshift variant in the MBD5 gene (NM_001378120.1:c.179dup, p.(Cys60Trpfs*16)) leads to a reading frame shift in exon 6 of 14 due to the gain of one base pair and to the termination of translation of the corresponding protein by a premature stop codon. Bioinformatic prediction algorithms for assessing the effect on protein expression estimate the effect of the variant to be very strong (AutoPVS1, PMID 30661751). At the protein level, the affected allele is very unlikely to produce any protein at all, as premature degradation of the mRNA via nonsense mediated mRNA decay (NMD) must be expected. However, the actual effect of the variant on protein expression has not yet been functionally investigated. This variant has not yet been listed in the ClinVar database. This variant has not yet been found in the population database gnomAD v4.1.0. According to current ACMG recommendations for variant evaluation (PMID 25741868), the criteria PVS1, PM2_SUP and PM6_SUP are fulfilled, resulting in an evaluation as a pathogenic variant (ACMG class 5).